The following is an entry in ClinVar:

NM_007294.4(BRCA1):c.5075-53C>T

Gene: BRCA1 (BRCA1 DNA repair associated; minus strand). Cytogenetic location: 17q21.31.
Variant type: single nucleotide variant.
Coding change: c.5075-53C>T on transcript NM_007294.4 (MANE Select); 53 bases into the intron before coding-DNA position 5075, C replaced by T.
Molecular consequence: intron variant.
Genome position (GRCh38, 1-based): chr17:43,064,004, G>A on the plus strand (C>T on the coding strand, the complement: BRCA1 is on the minus strand). VCF-style: chr17-43064004-G-A. GRCh37 (hg19) VCF-style: chr17-41216021-G-A.
Other names: IVS17-53C>T; IVS 17-53C>T; c.5138-53C>T (NM_007300.3, NM_001407583.1, NM_001407587.1 and 2 more transcripts); c.1637-53C>T (NM_001408450.1, NM_001408447.1, NM_001408446.1 and 2 more transcripts); c.1640-53C>T (NM_001408434.1, NM_001408440.1, NM_001408433.1 and 10 more transcripts); c.4949-53C>T (NM_001407672.1, NM_001407678.1, NM_001407673.1 and 10 more transcripts); c.1760-53C>T (NM_001408398.1, NM_001408400.1, NM_001408392.1 and 8 more transcripts); c.1763-53C>T (NM_001407992.1, NM_001407981.1, NM_007298.4 and 12 more transcripts); and 75 more.
Identifiers: ClinVar variation 125760 (VCV000125760.28), dbSNP rs8176258, ClinGen allele CA003212.
Genomic context (GRCh38, chr17:43,064,004, plus strand): 5'-CTCAGCATCTGCAGAATGAAAAACACTCAAAGGATTAGAAGTTGAAAACAAAATCAGGAA[G>A]TGCTGTCCTAAGAAGCTAAAGAGCCTCAGTTTTTTACACTCCCAAGATCAATCTGGATTT-3'

ClinVar aggregate classification (germline): Benign. Review status: reviewed by expert panel (3 of 4 stars). 12 submissions from 12 submitters: Benign (1). 11 of the submissions do not count toward it. Last evaluated 2015-01-12.

Conditions:
Hereditary cancer-predisposing syndrome. Also called: Tumor predisposition; Hereditary neoplastic syndrome; Hereditary Cancer Syndrome; Neoplastic Syndromes, Hereditary. Identifiers: Orphanet 140162, MedGen C0027672, MeSH D009386, MONDO:0015356.
Hereditary breast ovarian cancer syndrome. Also called: Hereditary breast and/or ovarian cancer syndrome; Breast and ovarian cancer; Hereditary breast and ovarian cancer syndrome; Hereditary breast and ovarian cancer; Hereditary breast and ovarian cancer syndrome (HBOC); BRCA1- and BRCA2-Associated Hereditary Breast and Ovarian Cancer. Identifiers: Orphanet 145, MedGen C0677776, MeSH D061325, MONDO:0003582. Disease mechanism: loss of function.
Breast-ovarian cancer, familial, susceptibility to, 1 (BROVCA1). Also called: BRCA1 Hereditary Breast and Ovarian Cancer; OVARIAN CANCER, SUSCEPTIBILITY TO. Identifiers: Orphanet 145, MedGen C2676676, MONDO:0011450, OMIM 604370. Disease mechanism: loss of function.
Malignant tumor of breast. Also called: Malignant breast neoplasm; Cancer breast. Identifiers: MedGen C0006142, MONDO:0007254. Disease mechanism: loss of function.

Allele frequency attached by ClinVar (database versions not stated): 1000 Genomes Project 30x 0.01093; 1000 Genomes Project 0.01098; ESP Exome Variant Server 0.01708; TOPMed 0.01721; gnomAD 0.01871 and 0.01914.
gnomAD v4.1: 35,734 of 1,533,560 alleles (2.3%); highest among the groups gnomAD compares: Non-Finnish European, 2.7%; 535 homozygotes.

Submissions (12):

Evidence-based Network for the Interpretation of Germline Mutant Alleles (ENIGMA)
Classification: Benign for Breast-ovarian cancer, familial 1. Last evaluated: 2015-01-12. Review status: reviewed by expert panel. Criteria: ENIGMA BRCA1/2 Classification Criteria (2015). Collection method: curation. Allele origin: germline.
Comment: Class 1 not pathogenic based on frequency >1% in an outbred sampleset. Frequency 0.03166 (European), derived from 1000 genomes (2012-04-30).

KCCC/NGS Laboratory, Kuwait Cancer Control Center
Classification: Benign for Breast-ovarian cancer, familial, susceptibility to, 1. Last evaluated: 2023-07-07. Review status: criteria provided, single submitter. Criteria: ACMG Guidelines, 2015. Collection method: clinical testing. Allele origin: germline. Affected: yes. Not counted in ClinVar's aggregate classification.

National Health Laboratory Service, Universitas Academic Hospital and University of the Free State
Classification: Benign for Hereditary breast ovarian cancer syndrome. Last evaluated: 2022-04-19. Review status: criteria provided, single submitter. Criteria: ACMG Guidelines, 2015. Collection method: clinical testing. Allele origin: germline. Affected: yes. Observed: 14 variant alleles. Not counted in ClinVar's aggregate classification.

Vantari Genetics
Classification: Benign for Hereditary cancer-predisposing syndrome. Last evaluated: 2015-11-27. Review status: criteria provided, single submitter. Criteria: ACMG Guidelines, 2015. Collection method: clinical testing. Allele origin: germline. Not counted in ClinVar's aggregate classification.

Clinical Genetics DNA and cytogenetics Diagnostics Lab, Erasmus MC, Erasmus Medical Center
Classification: Benign for Breast-ovarian cancer, familial, susceptibility to, 1. Last evaluated: 2015-09-21. Review status: criteria provided, single submitter. Criteria: ACGS Guidelines, 2013. Collection method: clinical testing. Allele origin: germline. Affected: yes. Study: VKGL Data-share Consensus. Not counted in ClinVar's aggregate classification.

Color Diagnostics, LLC DBA Color Health
Classification: Benign for Hereditary cancer-predisposing syndrome. Last evaluated: 2015-03-05. Review status: criteria provided, single submitter. Criteria: ACMG Guidelines, 2015. Collection method: clinical testing. Allele origin: germline. Not counted in ClinVar's aggregate classification.

GeneDx
Classification: Benign. Last evaluated: 2015-03-03. Review status: criteria provided, single submitter. Criteria: GeneDx Variant Classification Process June 2021. Collection method: clinical testing. Allele origin: germline. Affected: yes. Not counted in ClinVar's aggregate classification.

Genome Diagnostics Laboratory, University Medical Center Utrecht
Classification: Benign for Breast-ovarian cancer, familial, susceptibility to, 1. Last evaluated: 2014-10-09. Review status: criteria provided, single submitter. Criteria: ACGS Guidelines, 2013. Collection method: clinical testing. Allele origin: germline. Affected: yes. Study: VKGL Data-share Consensus. Not counted in ClinVar's aggregate classification.

Breast Cancer Information Core (BIC) (BRCA1)
Classification: Uncertain significance for Breast-ovarian cancer, familial 1. Last evaluated: 2004-02-20. Review status: no assertion criteria provided. Collection method: clinical testing. Allele origin: germline. Affected: yes. Observed: 19 variant alleles. Not counted in ClinVar's aggregate classification.

Clinical Genetics Laboratory, Department of Pathology, Netherlands Cancer Institute
Classification: Benign. Review status: no assertion criteria provided. Collection method: clinical testing. Allele origin: germline. Affected: yes. Study: VKGL Data-share Consensus. Not counted in ClinVar's aggregate classification.

Department of Pathology and Laboratory Medicine, Sinai Health System
Classification: Benign for Malignant tumor of breast. Review status: no assertion criteria provided. Collection method: clinical testing. Allele origin: unknown. Affected: yes. Observed: 18 variant alleles. Study: The Canadian Open Genetics Repository (COGR). Not counted in ClinVar's aggregate classification.
Comment: The BRCA1 c.5075-53C>T variant is not expected to have clinical significance as it occurs outside of the splicing consensus sequence and in silico or computational prediction software programs (SpliceSiteFinder, MaxEntScan, NNSPLICE, GeneSplicer, HumanSpliceFinder) do not predict a difference in splicing. The variant was identified in 2 of 148 proband chromosomes (frequency: 0.027) from individuals or families with breast cancer and was present in 2 of 480 control chromosomes (frequency: 0.0.004) from healthy individuals (Cvok 2008, Jara 2006, Pietschmann 2005). This variant was identified in several populations at polymorphic frequencies, including: the 1000 Genomes Project (frequency: 0.015), HAPMAP-CEU (frequency: 0.034), HAP-YRI (frequency: 0.031), and the European American population of the ESP Project (frequency: 0.02). The variant was also listed in dbSNP (ID: rs8176258) â€šÃ„ÃºWith Uncertain significance alleleâ€šÃ„Ã¹, the ClinVar database, the BIC database (20X with no clinical importance and categorized as Class 1: Not pathogenic/low clinical significance), and in UMD (209X as a neutral variant). In the UMD database, the variant was identified with 12 different co-occurring pathogenic BRCA1 variants and 11 different co-occurring pathogenic BRCA2 variants, increasing the likelihood that the c.5075-53C>T variant does not have clinical significance. In summary, based on the above information, this variant meets our laboratory's criteria to be classified as benign.

Joint Genome Diagnostic Labs from Nijmegen and Maastricht, Radboudumc and MUMC+
Classification: Benign. Review status: no assertion criteria provided. Collection method: clinical testing. Allele origin: germline. Affected: yes. Study: VKGL Data-share Consensus. Not counted in ClinVar's aggregate classification.

Literature cited by the submitters: DOI 10.3389/fgene.2022.834265 (cited by National Health Laboratory Service, Universitas Academic Hospital and University of the Free State); Ladopolou-et-al.,-Cancer-Lett,-185:61,-2002 (cited by Breast Cancer Information Core (BIC) (BRCA1)).